The following is an entry in ClinVar:

NM_198880.3(QRICH1):c.259C>T (p.Gln87Ter)

Gene: QRICH1 (glutamine rich 1; minus strand). Cytogenetic location: 3p21.31.
Variant type: single nucleotide variant.
Coding change: c.259C>T on transcript NM_198880.3 (MANE Select); coding-DNA position 259, C replaced by T.
Protein change: p.Gln87Ter; replaces glutamine 87 with a stop codon.
Molecular consequence: nonsense.
Genome position (GRCh38, 1-based): chr3:49,076,759, G>A on the plus strand (C>T on the coding strand, the complement: QRICH1 is on the minus strand). VCF-style: chr3-49076759-G-A. GRCh37 (hg19) VCF-style: chr3-49114192-G-A.
Other names: c.259C>T, p.Gln87Ter (NM_001320580.2, NM_001320581.2, NM_001320582.2 and 4 more transcripts); short protein forms Q87*.
Identifiers: ClinVar variation 2218827 (VCV002218827.2), dbSNP rs2471766903, ClinGen allele CA352685338.

ClinVar aggregate classification (germline): Pathogenic (1 of 4 stars; one submission).

Conditions:
Inborn genetic diseases. Identifiers: MedGen C0950123, MeSH D030342.

Submission:

Ambry Genetics
Classification: Pathogenic for Inborn genetic diseases. Last evaluated: 2021-06-24. Review status: criteria provided, single submitter. Criteria: Ambry Variant Classification Scheme 2023. Collection method: clinical testing. Allele origin: germline.
Comment: The c.259C>T (p.Q87*) alteration, located in exon 3 (coding exon 1) of the QRICH1 gene, consists of a C to T substitution at nucleotide position 259. This changes the amino acid from a glutamine (Q) to a stop codon at amino acid position 87. This alteration is expected to result in loss of function by premature protein truncation or nonsense-mediated mRNA decay. Based on data from the Genome Aggregation Database (gnomAD), the QRICH1 c.259C>T alteration was not observed, with coverage at this position. Based on the available evidence, this alteration is classified as pathogenic.